The following is an entry in ClinVar:

ClinVar aggregate classification (germline): Conflicting classifications of pathogenicity. Review status: criteria provided, conflicting classifications (1 of 4 stars). 6 submissions from 6 submitters: Uncertain significance (3); Benign (1); Likely benign (1). 1 of the submissions does not count toward it. Last evaluated 2026-01-13.

Conditions:
Primary ciliary dyskinesia. Also called: Ciliary dyskinesia. Identifiers: Orphanet 244, MedGen C0008780, MONDO:0016575, HP:0012265.
Kartagener syndrome (CILD1). Also called: Dextrocardia bronchiectasis and sinusitis; IMMOTILE CILIA SYNDROME; CILIARY DYSKINESIA, PRIMARY, 1; CILIARY DYSKINESIA, PRIMARY, 1, WITH OR WITHOUT SITUS INVERSUS; POLYNESIAN BRONCHIECTASIS; SIEWERT SYNDROME. Identifiers: Orphanet 244, MedGen C4551906, MONDO:0009484, OMIM 244400.

Allele frequency attached by ClinVar (database versions not stated): ExAC 0.00016; gnomAD 0.00042 and 0.00048; TOPMed 0.00062; ESP Exome Variant Server 0.00085.
gnomAD v4.1: 128 of 1,614,096 alleles (0.0079%); highest among the groups gnomAD compares: African/African-American, 0.16%; no homozygotes.

Submissions (6):

Labcorp Genetics (formerly Invitae), Labcorp
Classification: Likely benign for Primary ciliary dyskinesia. Last evaluated: 2026-01-13. Review status: criteria provided, single submitter. Criteria: Invitae Variant Classification Sherloc (09022015). Collection method: clinical testing. Allele origin: germline.

Ambry Genetics
Classification: Benign for Primary ciliary dyskinesia. Last evaluated: 2025-09-04. Review status: criteria provided, single submitter. Criteria: Ambry Variant Classification Scheme 2023. Collection method: clinical testing. Allele origin: germline.

GeneDx
Classification: Uncertain significance. Last evaluated: 2024-11-15. Review status: criteria provided, single submitter. Criteria: GeneDx Variant Classification Process June 2021. Collection method: clinical testing. Allele origin: germline. Affected: yes.
Comment: In silico analysis supports that this missense variant does not alter protein structure/function; Has not been previously published as pathogenic or benign to our knowledge

Blueprint Genetics
Classification: Uncertain significance. Last evaluated: 2024-01-16. Review status: criteria provided, single submitter. Criteria: ACMG Guidelines, 2015. Collection method: clinical testing. Allele origin: germline.

Fulgent Genetics
Classification: Uncertain significance for Kartagener syndrome. Last evaluated: 2021-09-21. Review status: criteria provided, single submitter. Criteria: ACMG Guidelines, 2015. Collection method: clinical testing. Allele origin: unknown.

Natera, Inc.
Classification: Uncertain significance for Primary ciliary dyskinesia. Last evaluated: 2019-11-11. Review status: no assertion criteria provided. Collection method: clinical testing. Allele origin: germline. Not counted in ClinVar's aggregate classification.

NM_012144.4(DNAI1):c.1145G>A (p.Ser382Asn)

Gene: DNAI1 (dynein axonemal intermediate chain 1; plus strand). Cytogenetic location: 9p13.3.
Variant type: single nucleotide variant.
Coding change: c.1145G>A on transcript NM_012144.4 (MANE Select); coding-DNA position 1145, G replaced by A.
Protein change: p.Ser382Asn; replaces serine 382 with asparagine.
Molecular consequence: missense variant.
Genome position (GRCh38, 1-based): chr9:34,506,708, G>A. VCF-style: chr9-34506708-G-A. GRCh37 (hg19) VCF-style: chr9-34506706-G-A.
Other names: c.1145G>A (NM_012144.2); c.1157G>A, p.Ser386Asn (NM_001281428.2); short protein forms S382N, S386N.
Identifiers: ClinVar variation 454824 (VCV000454824.15), dbSNP rs141690214, ClinGen allele CA5034303.